The following is an entry in ClinVar:

NM_000082.4(ERCC8):c.274dup (p.Arg92fs)

Gene: ERCC8 (ERCC excision repair 8, CSA ubiquitin ligase complex subunit; minus strand). Cytogenetic location: 5q12.1.
Variant type: Duplication.
Coding change: c.274dup on transcript NM_000082.4 (MANE Select); coding-DNA position 274, one base duplicated (A; older notation c.274dupA).
Protein change: p.Arg92fs; shifts the reading frame from arginine 92.
Molecular consequence: frameshift variant. On other transcripts: 5 prime UTR variant (1).
Genome position (GRCh38, 1-based): chr5:60,922,055, T duplicated on the plus strand (A on the coding strand, the reverse complement: ERCC8 is on the minus strand). VCF-style (leftmost placement, unchanged base first): chr5-60922054-C-CT. GRCh37 (hg19) VCF-style: chr5-60217881-C-CT.
Other names: c.100dup, p.Arg34fs (NM_001007233.3); c.274dup, p.Arg92fs (NM_001007234.3); c.-104dup (NM_001290285.2); short protein forms R34fs, R92fs.
Identifiers: ClinVar variation 1726034 (VCV001726034.2), dbSNP rs2531839441, ClinGen allele CA2578318049.

ClinVar aggregate classification (germline): Likely pathogenic (1 of 4 stars; one submission).

Conditions:
Cockayne syndrome type 1. Also called: Cockayne syndrome type I; Cockayne syndrome classical; Cockayne syndrome classic form. Identifiers: Orphanet 191, Orphanet 90321, MedGen C0751039, MONDO:0019569, OMIM 216400.

Submission:

Myriad Genetics, Inc.
Classification: Likely pathogenic for Cockayne syndrome type 1. Last evaluated: 2022-05-08. Review status: criteria provided, single submitter. Criteria: Myriad Women's Health Autosomal Recessive and X-Linked Classification Criteria (2021). Collection method: clinical testing. Allele origin: unknown.
Comment: NM_000082.3(ERCC8):c.274dupA(R92Kfs*5) is expected to be pathogenic in the context of ERCC8-related disorders. This variant is predicted to lead to an abnormal or absent protein product due to the creation of a premature termination codon in ERCC8, a gene where loss-of-function variants are known to be pathogenic. Please note: this variant was assessed in the context of healthy population screening.